The following is an entry in ClinVar:

ClinVar aggregate classification (germline): Conflicting classifications of pathogenicity. Review status: criteria provided, conflicting classifications (1 of 4 stars). 2 submissions from 2 submitters: Uncertain significance (1); Likely benign (1). Last evaluated 2022-10-05.

Allele frequency attached by ClinVar (database versions not stated): gnomAD exomes below 0.00001.
gnomAD v4.1: 2 of 1,613,294 alleles (0.00012%); highest among the groups gnomAD compares: Admixed American, 0.0017%; no homozygotes.

Submissions (2):

Labcorp Genetics (formerly Invitae), Labcorp
Classification: Uncertain significance. Last evaluated: 2022-10-05. Review status: criteria provided, single submitter. Criteria: Invitae Variant Classification Sherloc (09022015). Collection method: clinical testing. Allele origin: germline.
Comment: This sequence change falls in intron 13 of the MYO7A gene. It does not directly change the encoded amino acid sequence of the MYO7A protein. It affects a nucleotide within the consensus splice site. This variant is present in population databases (no rsID available, gnomAD 0.003%). This variant has not been reported in the literature in individuals affected with MYO7A-related conditions. ClinVar contains an entry for this variant (Variation ID: 1524470). Variants that disrupt the consensus splice site are a relatively common cause of aberrant splicing (PMID: 17576681, 9536098). Algorithms developed to predict the effect of sequence changes on RNA splicing suggest that this variant is not likely to affect RNA splicing. In summary, the available evidence is currently insufficient to determine the role of this variant in disease. Therefore, it has been classified as a Variant of Uncertain Significance.

Blueprint Genetics
Classification: Likely benign. Last evaluated: 2019-11-19. Review status: criteria provided, single submitter. Criteria: ACMG Guidelines, 2015. Collection method: clinical testing. Allele origin: germline.

Literature cited by the submitters: PubMed 17576681 (cited by Labcorp Genetics (formerly Invitae), Labcorp); PubMed 9536098 (cited by Labcorp Genetics (formerly Invitae), Labcorp).

NM_000260.4(MYO7A):c.1555-3C>T

Gene: MYO7A (myosin VIIA; plus strand). Cytogenetic location: 11q13.5.
Variant type: single nucleotide variant.
Coding change: c.1555-3C>T on transcript NM_000260.4 (MANE Select); 3 bases into the intron before coding-DNA position 1555, C replaced by T.
Molecular consequence: intron variant.
Genome position (GRCh38, 1-based): chr11:77,162,850, C>T. VCF-style: chr11-77162850-C-T. GRCh37 (hg19) VCF-style: chr11-76873896-C-T.
Other names: c.1522-3C>T (NM_001369365.1); c.1555-3C>T (NM_001127180.2).
Identifiers: ClinVar variation 1524470 (VCV001524470.4), dbSNP rs1555070029, ClinGen allele CA600343773.